The following is an entry in ClinVar:

NM_006059.4(LAMC3):c.392C>T (p.Thr131Met)

Gene: LAMC3 (laminin subunit gamma 3; plus strand). Cytogenetic location: 9q34.12.
Variant type: single nucleotide variant.
Coding change: c.392C>T on transcript NM_006059.4 (MANE Select); coding-DNA position 392, C replaced by T.
Protein change: p.Thr131Met; replaces threonine 131 with methionine.
Molecular consequence: missense variant.
Genome position (GRCh38, 1-based): chr9:131,026,303, C>T. VCF-style: chr9-131026303-C-T. GRCh37 (hg19) VCF-style: chr9-133901690-C-T.
Other names: c.392C>T (NM_006059.3); short protein forms T131M.
Identifiers: ClinVar variation 1498710 (VCV001498710.6), dbSNP rs750461310, ClinGen allele CA5286678.
Genomic context (GRCh38, chr9:131,026,303, plus strand): 5'-CCTTCCCCTTCCATAAAATGGGCCCCGTTTTCCTGGCTGCAGGGAAGGCTTATGAGATCA[C>T]GTATGTGAGGCTGAAGTTCCACACCAGTCGCCCTGAGAGCTTTGCCATCTACAAGCGCAG-3'
Protein context (NP_006050.3, residues 121-141): TLRLGKAYEI[Thr131Met]YVRLKFHTSR

ClinVar aggregate classification (germline): Uncertain significance. Review status: criteria provided, multiple submitters, no conflicts (2 of 4 stars). 2 submissions from 2 submitters: Uncertain significance (2). Last evaluated 2023-08-29.

Allele frequency attached by ClinVar (database versions not stated): ExAC 0.00006.

Submissions (2):

GeneDx
Classification: Uncertain significance. Last evaluated: 2023-08-29. Review status: criteria provided, single submitter. Criteria: GeneDx Variant Classification Process June 2021. Collection method: clinical testing. Allele origin: germline. Affected: yes.
Comment: In silico analysis supports that this missense variant has a deleterious effect on protein structure/function; Has not been previously published as pathogenic or benign to our knowledge

Labcorp Genetics (formerly Invitae), Labcorp
Classification: Uncertain significance. Last evaluated: 2021-08-28. Review status: criteria provided, single submitter. Criteria: Invitae Variant Classification Sherloc (09022015). Collection method: clinical testing. Allele origin: germline.
Comment: This sequence change replaces threonine with methionine at codon 131 of the LAMC3 protein (p.Thr131Met). The threonine residue is highly conserved and there is a moderate physicochemical difference between threonine and methionine. This variant is present in population databases (rs750461310, ExAC 0.04%). This variant has not been reported in the literature in individuals affected with LAMC3-related conditions. Algorithms developed to predict the effect of missense changes on protein structure and function (SIFT, PolyPhen-2, Align-GVGD) all suggest that this variant is likely to be disruptive. In summary, the available evidence is currently insufficient to determine the role of this variant in disease. Therefore, it has been classified as a Variant of Uncertain Significance.